The following is an entry in ClinVar:

ClinVar aggregate classification (germline): Uncertain significance (1 of 4 stars; one submission).

Conditions:
Idiopathic generalized epilepsy. Also called: Generalised epilepsy; EIG. Identifiers: MedGen C0270850, MONDO:0005579, OMIM 600669.

gnomAD v4.1: 1 of 1,602,460 alleles (0.000062%); highest among the groups gnomAD compares: Non-Finnish European, 0.000085%; no homozygotes.

Submission:

Labcorp Genetics (formerly Invitae), Labcorp
Classification: Uncertain significance for Idiopathic generalized epilepsy. Last evaluated: 2021-04-05. Review status: criteria provided, single submitter. Criteria: Invitae Variant Classification Sherloc (09022015). Collection method: clinical testing. Allele origin: germline.
Comment: In summary, the available evidence is currently insufficient to determine the role of this variant in disease. Therefore, it has been classified as a Variant of Uncertain Significance. Nucleotide substitutions within the consensus splice site are a relatively common cause of aberrant splicing (PMID: 17576681, 9536098). Algorithms developed to predict the effect of sequence changes on RNA splicing suggest that this variant is not likely to affect RNA splicing, but this prediction has not been confirmed by published transcriptional studies. This variant has not been reported in the literature in individuals with RBFOX1-related conditions. This variant is not present in population databases (ExAC no frequency). This sequence change falls in intron 1 of the RBFOX1 gene. It does not directly change the encoded amino acid sequence of the RBFOX1 protein, but it affects a nucleotide within the consensus splice site of the intron.

Literature cited by the submitters: PubMed 17576681; PubMed 9536098.

NM_018723.4(RBFOX1):c.28-3C>T

Gene: RBFOX1 (RNA binding fox-1 homolog 1; plus strand). Cytogenetic location: 16p13.3.
Variant type: single nucleotide variant.
Coding change: c.28-3C>T on transcript NM_018723.4 (MANE Select); 3 bases into the intron before coding-DNA position 28, C replaced by T.
Molecular consequence: intron variant.
Genome position (GRCh38, 1-based): chr16:7,518,144, C>T. VCF-style: chr16-7518144-C-T. GRCh37 (hg19) VCF-style: chr16-7568146-C-T.
Other names: c.28-3C>T (NM_001364800.2, NM_001142333.2, NM_001142334.2); c.157-3C>T (NM_001308117.1); c.88-3C>T (NM_145893.3, NM_145891.3, NM_145892.3).
Identifiers: ClinVar variation 941707 (VCV000941707.10), dbSNP rs2076775196, ClinGen allele CA1139664501.